The following is an entry in ClinVar:

ClinVar aggregate classification (germline): Pathogenic (1 of 4 stars; one submission).

Conditions:
Hereditary spastic paraplegia 2 (SPG2). Also called: SPASTIC PARAPLEGIA 2, X-LINKED; Spastic Paraplegia 2 (SPG2). Identifiers: Orphanet 99015, MedGen C0751604, MONDO:0010733, OMIM 312920.

Submission:

Labcorp Genetics (formerly Invitae), Labcorp
Classification: Pathogenic for Hereditary spastic paraplegia 2. Last evaluated: 2023-03-18. Review status: criteria provided, single submitter. Criteria: Invitae Variant Classification Sherloc (09022015). Collection method: clinical testing. Allele origin: germline.
Comment: This sequence change creates a premature translational stop signal (p.Gln121*) in the PLP1 gene. It is expected to result in an absent or disrupted protein product. Loss-of-function variants in PLP1 are known to be pathogenic (PMID: 18470932). This variant is not present in population databases (gnomAD no frequency). This variant has not been reported in the literature in individuals affected with PLP1-related conditions. For these reasons, this variant has been classified as Pathogenic.

Literature cited by the submitters: PubMed 18470932.

NM_000533.5(PLP1):c.361C>T (p.Gln121Ter)

Genes: PLP1 (proteolipid protein 1; plus strand), RAB9B (RAB9B, member RAS oncogene family; minus strand). Cytogenetic location: Xq22.2.
Variant type: single nucleotide variant.
Coding change: c.361C>T on transcript NM_000533.5 (MANE Select); coding-DNA position 361, C replaced by T.
Protein change: p.Gln121Ter; replaces glutamine 121 with a stop codon.
Molecular consequence: nonsense. On other transcripts: intron variant (1).
Genome position (GRCh38, 1-based): chrX:103,786,634, C>T. VCF-style: chrX-103786634-C-T. GRCh37 (hg19) VCF-style: chrX-103041563-C-T.
Other names: c.361C>T, p.Gln121Ter (NM_001128834.3); c.196C>T, p.Gln66Ter (NM_001305004.1); c.348+13C>T (NM_199478.3); short protein forms Q121*, Q66*.
Identifiers: ClinVar variation 2847162 (VCV002847162.3), dbSNP rs2522307891, ClinGen allele CA414102769.